The following is an entry in ClinVar:

NM_004006.3(DMD):c.10864G>A (p.Asp3622Asn)

Gene: DMD (dystrophin; minus strand). Cytogenetic location: Xp21.2.
Variant type: single nucleotide variant.
Coding change: c.10864G>A on transcript NM_004006.3 (MANE Select); coding-DNA position 10864, G replaced by A.
Protein change: p.Asp3622Asn; replaces aspartic acid 3622 with asparagine.
Molecular consequence: missense variant.
Genome position (GRCh38, 1-based): chrX:31,146,348, C>T on the plus strand (G>A on the coding strand, the complement: DMD is on the minus strand). VCF-style: chrX-31146348-C-T. GRCh37 (hg19) VCF-style: chrX-31164465-C-T.
Other names: c.10840G>A, p.Asp3614Asn (NM_000109.4); c.10852G>A, p.Asp3618Asn (NM_004009.3); c.10495G>A, p.Asp3499Asn (NM_004010.3); c.6841G>A, p.Asp2281Asn (NM_004011.4); c.6832G>A, p.Asp2278Asn (NM_004012.4); c.3484G>A, p.Asp1162Asn (NM_004013.3, NM_004021.3); c.2677G>A, p.Asp893Asn (NM_004014.3); c.1660G>A, p.Asp554Asn (NM_004015.3, NM_004016.3); and 3 more; short protein forms D1052N, D1162N, D2278N, D3614N, D541N, D3618N, D1149N, D2281N.
Identifiers: ClinVar variation 1434622 (VCV001434622.6), dbSNP rs1470608087, ClinGen allele CA412648755.

ClinVar aggregate classification (germline): Uncertain significance. Review status: criteria provided, multiple submitters, no conflicts (2 of 4 stars). 2 submissions from 2 submitters: Uncertain significance (2). Last evaluated 2026-08-05.

Conditions:
Duchenne muscular dystrophy (DMD). Also called: Duchenne Muscular Dystrophy (DMD); MUSCULAR DYSTROPHY, PSEUDOHYPERTROPHIC PROGRESSIVE, DUCHENNE TYPE. Identifiers: Orphanet 98896, MedGen C0013264, MONDO:0010679, OMIM 310200.
Progressive muscular dystrophy. Identifiers: Orphanet 206644, MedGen C4551827, MONDO:0016106.

Allele frequency attached by ClinVar (database versions not stated): TOPMed below 0.00001; gnomAD 0.00001.
gnomAD v4.1: 2 of 1,208,467 alleles (0.00017%); highest among the groups gnomAD compares: African/African-American, 0.0017%; no homozygotes.

Submissions (2):

Myriad Genetics, Inc.
Classification: Uncertain significance for Progressive muscular dystrophy. Last evaluated: 2026-08-05. Review status: criteria provided, single submitter. Criteria: Myriad Autosomal Dominant, Autosomal Recessive and X-Linked Classification Criteria (2023). Collection method: clinical testing. Allele origin: unknown.
Comment: NM_004006.2(DMD):c.10864G>A(D3622N) is a missense variant classified as a variant of uncertain significance in the context of dystrophinopathy (including Duchenne/Becker muscular dystrophy). D3622N has been observed in a case with relevant disease (PMID: 39712290). Relevant functional assessments of this variant are not available in the literature. D3622N has not been observed in referenced population frequency databases. In summary, there is insufficient evidence to classify NM_004006.2(DMD):c.10864G>A(D3622N) as pathogenic or benign. Please note: this variant was assessed in the context of healthy population screening.

Labcorp Genetics (formerly Invitae), Labcorp
Classification: Uncertain significance for Duchenne muscular dystrophy. Last evaluated: 2021-09-17. Review status: criteria provided, single submitter. Criteria: Invitae Variant Classification Sherloc (09022015). Collection method: clinical testing. Allele origin: germline.
Comment: This sequence change replaces aspartic acid with asparagine at codon 3622 of the DMD protein (p.Asp3622Asn). The aspartic acid residue is highly conserved and there is a small physicochemical difference between aspartic acid and asparagine. This variant is not present in population databases (ExAC no frequency). This variant has not been reported in the literature in individuals with DMD-related conditions. Algorithms developed to predict the effect of missense changes on protein structure and function are either unavailable or do not agree on the potential impact of this missense change (SIFT: "Tolerated"; PolyPhen-2: "Possibly Damaging"; Align-GVGD: "Class C0"). In summary, the available evidence is currently insufficient to determine the role of this variant in disease. Therefore, it has been classified as a Variant of Uncertain Significance.

Literature cited by the submitters: PubMed 39712290 (cited by Myriad Genetics, Inc.).